The following is an entry in ClinVar:

NM_001267550.2(TTN):c.98296G>T (p.Asp32766Tyr)

Genes: TTN (titin; minus strand), TTN-AS1 (TTN antisense RNA 1; plus strand). Cytogenetic location: 2q31.2.
Variant type: single nucleotide variant.
Coding change: c.98296G>T on transcript NM_001267550.2 (MANE Select); coding-DNA position 98296, G replaced by T.
Protein change: p.Asp32766Tyr; replaces aspartic acid 32766 with tyrosine.
Molecular consequence: missense variant. On other transcripts: non-coding transcript variant (1).
Genome position (GRCh38, 1-based): chr2:178,539,769, C>A on the plus strand (G>T on the coding strand, the complement: TTN is on the minus strand). VCF-style: chr2-178539769-C-A. GRCh37 (hg19) VCF-style: chr2-179404496-C-A.
Other names: c.90592G>T, p.Asp30198Tyr (NM_133378.4); c.93373G>T, p.Asp31125Tyr (NM_001256850.1); c.71101G>T, p.Asp23701Tyr (NM_003319.4); c.71476G>T, p.Asp23826Tyr (NM_133432.3); c.71677G>T, p.Asp23893Tyr (NM_133437.4); short protein forms D30198Y, D32766Y, D23701Y, D23893Y, D23826Y, D31125Y.
Identifiers: ClinVar variation 178661 (VCV000178661.7), dbSNP rs727504449, ClinGen allele CA182748.
Genomic context (GRCh38, chr2:178,539,769, plus strand): 5'-CAGCCTTCTTGCCACATTTATTTTCCAGAACCAGGTCATAAGTGCCAGAATCACCCCTGT[C>A]TGCTTCTTTGATCACAAGCTCAGTGTGTGTTTCAGATGTTGCAATCATGGCACGCTTACT-3'
Protein context (NP_001254479.2, residues 32756-32776): THTELVIKEA[Asp32766Tyr]RGDSGTYDLV

ClinVar aggregate classification (germline): Uncertain significance. Review status: criteria provided, multiple submitters, no conflicts (2 of 4 stars). 2 submissions from 2 submitters: Uncertain significance (2). Last evaluated 2013-02-07.

Conditions:
Cardiovascular phenotype. Identifiers: MedGen CN230736.

Allele frequency attached by ClinVar (database versions not stated): gnomAD exomes below 0.00001; ExAC 0.00001.

Submissions (2):

Ambry Genetics
Classification: Uncertain significance for Cardiovascular phenotype. Last evaluated: 2013-02-07. Review status: criteria provided, single submitter. Criteria: Ambry Autosomal Dominant and X-Linked criteria (10/2015). Collection method: clinical testing. Allele origin: germline. Observed: 1 variant allele.
Comment: There is insufficient or conflicting evidence for classification of this alteration.

Laboratory for Molecular Medicine, Mass General Brigham Personalized Medicine
Classification: Uncertain significance. Last evaluated: 2012-10-02. Review status: criteria provided, single submitter. Criteria: LMM Criteria. Collection method: clinical testing. Allele origin: germline. Observed: 1 variant allele.
Comment: The Asp30198Tyr variant in TTN has not been reported in the literature nor previ ously identified by our laboratory. Computational analyses (biochemical amino ac id properties, conservation, AlignGVGD, and PolyPhen2) suggest that the variant may not impact the protein, though this information is not predictive enough to rule out pathogenicity. Additional information is needed to fully assess the cli nical significance of this variant.